The following is an entry in ClinVar:

NM_201384.3(PLEC):c.3399+5C>G

Gene: PLEC (plectin; minus strand). Cytogenetic location: 8q24.3.
Variant type: single nucleotide variant.
Coding change: c.3399+5C>G on transcript NM_201384.3 (MANE Select); 5 bases into the intron after coding-DNA position 3399, C replaced by G.
Molecular consequence: intron variant.
Genome position (GRCh38, 1-based): chr8:143,927,849, G>C on the plus strand (C>G on the coding strand, the complement: PLEC is on the minus strand). VCF-style: chr8-143927849-G-C. GRCh37 (hg19) VCF-style: chr8-145002017-G-C.
Other names: c.3480+5C>G (NM_000445.5); c.3357+5C>G (NM_201378.4); c.3333+5C>G (NM_201379.3); c.3810+5C>G (NM_201380.4); c.3303+5C>G (NM_201381.3); c.3399+5C>G (NM_201382.4); c.3411+5C>G (NM_201383.3).
Identifiers: ClinVar variation 1405650 (VCV001405650.6), dbSNP rs782197467, ClinGen allele CA4927099.

ClinVar aggregate classification (germline): Uncertain significance (1 of 4 stars; one submission).

Conditions:
Epidermolysis bullosa simplex 5C, with pyloric atresia (EBS5C). Also called: Epidermolysis bullosa simplex with pyloric atresia; PLEC-Related Epidermolysis Bullosa with Pyloric Atresia; PLEC1-Related Epidermolysis Bullosa with Pyloric Atresia. Identifiers: Orphanet 158684, MedGen C2677349, MONDO:0012807, OMIM 612138.
Epidermolysis bullosa simplex with nail dystrophy (EBS5D). Identifiers: MedGen C4225309, MONDO:0014661, OMIM 616487.
Epidermolysis bullosa simplex 5B, with muscular dystrophy (EBS5B). Also called: Epidermolysis bullosa simplex with muscular dystrophy; EPIDERMOLYSIS BULLOSA SIMPLEX AND LIMB-GIRDLE MUSCULAR DYSTROPHY. Identifiers: Orphanet 257, MedGen C2931072, MONDO:0009181, OMIM 226670.
Autosomal recessive limb-girdle muscular dystrophy type 2Q (LGMDR17). Also called: MUSCULAR DYSTROPHY, LIMB-GIRDLE, AUTOSOMAL RECESSIVE 17. Identifiers: Orphanet 254361, MedGen C3150989, MONDO:0013390, OMIM 613723.
Epidermolysis bullosa simplex, Ogna type (EBS5A). Also called: Pidermolysis bullosa simplex 5A, Ogna type; EPIDERMOLYSIS BULLOSA SIMPLEX 5A, OGNA TYPE. Identifiers: Orphanet 79401, MedGen C0432317, MONDO:0007555, OMIM 131950.

gnomAD v4.1: 6 of 1,590,502 alleles (0.00038%); highest among the groups gnomAD compares: East Asian, 0.014%; no homozygotes.

Submission:

Labcorp Genetics (formerly Invitae), Labcorp
Classification: Uncertain significance for Autosomal recessive limb-girdle muscular dystrophy type 2Q; Epidermolysis bullosa simplex, Ogna type; Epidermolysis bullosa simplex with nail dystrophy; Epidermolysis bullosa simplex 5C, with pyloric atresia; Epidermolysis bullosa simplex 5B, with muscular dystrophy. Last evaluated: 2025-06-09. Review status: criteria provided, single submitter. Criteria: Invitae Variant Classification Sherloc (09022015). Collection method: clinical testing. Allele origin: germline.
Comment: This sequence change falls in intron 27 of the PLEC gene. It does not directly change the encoded amino acid sequence of the PLEC protein. It affects a nucleotide within the consensus splice site. This variant is present in population databases (rs782197467, gnomAD 0.04%). This variant has not been reported in the literature in individuals affected with PLEC-related conditions. ClinVar contains an entry for this variant (Variation ID: 1405650). Variants that disrupt the consensus splice site are a relatively common cause of aberrant splicing (PMID: 17576681, 9536098). Algorithms developed to predict the effect of sequence changes on RNA splicing suggest that this variant is not likely to affect RNA splicing. In summary, the available evidence is currently insufficient to determine the role of this variant in disease. Therefore, it has been classified as a Variant of Uncertain Significance.

Literature cited by the submitters: PubMed 17576681; PubMed 9536098.